The following is an entry in ClinVar:

NM_001372044.2(SHANK3):c.4006G>A (p.Gly1336Ser)

Gene: SHANK3 (SH3 and multiple ankyrin repeat domains 3; plus strand). Cytogenetic location: 22q13.33.
Variant type: single nucleotide variant.
Coding change: c.4006G>A on transcript NM_001372044.2 (MANE Select); coding-DNA position 4006, G replaced by A.
Protein change: p.Gly1336Ser; replaces glycine 1336 with serine.
Molecular consequence: missense variant.
Genome position (GRCh38, 1-based): chr22:50,721,614, G>A. VCF-style: chr22-50721614-G-A. GRCh37 (hg19) VCF-style: chr22-51160042-G-A.
Other names: c.3781G>A (NM_033517.1); short protein forms G1336S.
Identifiers: ClinVar variation 1691605 (VCV001691605.5), dbSNP rs752227380, ClinGen allele CA10326133.

ClinVar aggregate classification (germline): Conflicting classifications of pathogenicity. Review status: criteria provided, conflicting classifications (1 of 4 stars). 2 submissions from 2 submitters: Uncertain significance (1); Likely benign (1). Last evaluated 2022-05-23.

Conditions:
Inborn genetic diseases. Identifiers: MedGen C0950123, MeSH D030342.

Allele frequency attached by ClinVar (database versions not stated): gnomAD exomes 0.00001 and 0.00002; TOPMed 0.00001; ExAC 0.00004.

Submissions (2):

GeneDx
Classification: Uncertain significance. Last evaluated: 2022-05-23. Review status: criteria provided, single submitter. Criteria: GeneDx Variant Classification Process June 2021. Collection method: clinical testing. Allele origin: germline. Affected: yes.
Comment: In silico analysis supports that this missense variant does not alter protein structure/function; Has not been previously published as pathogenic or benign to our knowledge

Ambry Genetics
Classification: Likely benign for Inborn genetic diseases. Last evaluated: 2018-03-16. Review status: criteria provided, single submitter. Criteria: Ambry Variant Classification Scheme 2023. Collection method: clinical testing. Allele origin: germline.